The following is an entry in ClinVar:

NM_000390.4(CHM):c.447G>A (p.Met149Ile)

Genes: CHM (CHM Rab escort protein; minus strand), LOC129391306 (MPRA-validated peak7401 silencer; plus strand). Cytogenetic location: Xq21.2.
Variant type: single nucleotide variant.
Coding change: c.447G>A on transcript NM_000390.4 (MANE Select); coding-DNA position 447, G replaced by A.
Protein change: p.Met149Ile; replaces methionine 149 with isoleucine.
Molecular consequence: missense variant. On other transcripts: initiator codon variant (4).
Genome position (GRCh38, 1-based): chrX:85,963,920, C>T on the plus strand (G>A on the coding strand, the complement: CHM is on the minus strand). VCF-style: chrX-85963920-C-T. GRCh37 (hg19) VCF-style: chrX-85218925-C-T.
Other names: c.3G>A, p.Met1Ile (NM_001320959.1, NM_001362517.1, NM_001362518.2 and 1 more transcripts); short protein forms M1I, M149I.
Identifiers: ClinVar variation 2784015 (VCV002784015.4), dbSNP rs746057999, ClinGen allele CA332655374.

ClinVar aggregate classification (germline): Uncertain significance. Review status: criteria provided, multiple submitters, no conflicts (2 of 4 stars). 2 submissions from 2 submitters: Uncertain significance (2). Last evaluated 2025-10-12.

Conditions:
Inborn genetic diseases. Identifiers: MedGen C0950123, MeSH D030342.

Submissions (2):

Labcorp Genetics (formerly Invitae), Labcorp
Classification: Uncertain significance. Last evaluated: 2025-10-12. Review status: criteria provided, single submitter. Criteria: Invitae Variant Classification Sherloc (09022015). Collection method: clinical testing. Allele origin: germline.
Comment: This sequence change replaces methionine, which is neutral and non-polar, with isoleucine, which is neutral and non-polar, at codon 149 of the CHM protein (p.Met149Ile). The frequency data for this variant in the population databases is considered unreliable, as metrics indicate poor data quality at this position in the gnomAD database. This variant has not been reported in the literature in individuals affected with CHM-related conditions. ClinVar contains an entry for this variant (Variation ID: 2784015). An algorithm developed to predict the effect of missense changes on protein structure and function (PolyPhen-2) suggests that this variant is likely to be tolerated. In summary, the available evidence is currently insufficient to determine the role of this variant in disease. Therefore, it has been classified as a Variant of Uncertain Significance.

Ambry Genetics
Classification: Uncertain significance for Inborn genetic diseases. Last evaluated: 2025-08-27. Review status: criteria provided, single submitter. Criteria: Ambry Variant Classification Scheme 2023. Collection method: clinical testing. Allele origin: germline.